The following is an entry in ClinVar:

ClinVar aggregate classification (germline): Uncertain significance. Review status: criteria provided, multiple submitters, no conflicts (2 of 4 stars). 2 submissions from 2 submitters: Uncertain significance (2). Last evaluated 2025-08-18.

Conditions:
Hereditary cancer-predisposing syndrome. Also called: Tumor predisposition; Neoplastic Syndromes, Hereditary; Hereditary Cancer Syndrome; Hereditary neoplastic syndrome. Identifiers: Orphanet 140162, MedGen C0027672, MeSH D009386, MONDO:0015356.

Submissions (2):

Labcorp Genetics (formerly Invitae), Labcorp
Classification: Uncertain significance. Last evaluated: 2025-08-18. Review status: criteria provided, single submitter. Criteria: Invitae Variant Classification Sherloc (09022015). Collection method: clinical testing. Allele origin: germline.
Comment: This sequence change replaces valine, which is neutral and non-polar, with leucine, which is neutral and non-polar, at codon 62 of the FH protein (p.Val62Leu). This variant is not present in population databases (gnomAD no frequency). This variant has not been reported in the literature in individuals affected with FH-related conditions. ClinVar contains an entry for this variant (Variation ID: 3515065). Invitae Evidence Modeling of protein sequence and biophysical properties (such as structural, functional, and spatial information, amino acid conservation, physicochemical variation, residue mobility, and thermodynamic stability) indicates that this missense variant is expected to disrupt FH protein function with a positive predictive value of 95%. In summary, the available evidence is currently insufficient to determine the role of this variant in disease. Therefore, it has been classified as a Variant of Uncertain Significance.

Ambry Genetics
Classification: Uncertain significance for Hereditary cancer-predisposing syndrome. Last evaluated: 2024-07-28. Review status: criteria provided, single submitter. Criteria: Ambry Variant Classification Scheme 2023. Collection method: clinical testing. Allele origin: germline.
Comment: The p.V62L variant (also known as c.184G>T), located in coding exon 2 of the FH gene, results from a G to T substitution at nucleotide position 184. The valine at codon 62 is replaced by leucine, an amino acid with highly similar properties. This amino acid position is conserved. In addition, this alteration is predicted to be deleterious by in silico analysis. Based on the available evidence, the clinical significance of this variant remains unclear.

NM_000143.4(FH):c.184G>T (p.Val62Leu)

Gene: FH (fumarate hydratase; minus strand). Cytogenetic location: 1q43.
Variant type: single nucleotide variant.
Coding change: c.184G>T on transcript NM_000143.4 (MANE Select); coding-DNA position 184, G replaced by T.
Protein change: p.Val62Leu; replaces valine 62 with leucine.
Molecular consequence: missense variant.
Genome position (GRCh38, 1-based): chr1:241,517,265, C>A on the plus strand (G>T on the coding strand, the complement: FH is on the minus strand). VCF-style: chr1-241517265-C-A. GRCh37 (hg19) VCF-style: chr1-241680565-C-A.
Other names: short protein forms V62L.
Identifiers: ClinVar variation 3515065 (VCV003515065.3).